The following is an entry in ClinVar:

ClinVar aggregate classification (germline): Conflicting classifications of pathogenicity. Review status: criteria provided, conflicting classifications (1 of 4 stars). 2 submissions from 2 submitters: Uncertain significance (1); Likely benign (1). Last evaluated 2026-01-01.

Allele frequency attached by ClinVar (database versions not stated): TOPMed 0.00008.
gnomAD v4.1: 154 of 1,588,672 alleles (0.0097%); highest among the groups gnomAD compares: Middle Eastern, 0.017%; 1 homozygote.

Submissions (2):

CeGaT Center for Human Genetics Tuebingen
Classification: Likely benign. Last evaluated: 2026-01-01. Review status: criteria provided, single submitter. Criteria: CeGaT Center For Human Genetics Tuebingen Variant Classification Criteria Version 2. Collection method: clinical testing. Allele origin: germline. Affected: yes. Observed: 1 variant allele.
Comment: MUC5B: BP4, BS2

Ambry Genetics
Classification: Uncertain significance. Last evaluated: 2024-12-23. Review status: criteria provided, single submitter. Criteria: Ambry Variant Classification Scheme 2023. Collection method: clinical testing. Allele origin: germline.

NM_002458.3(MUC5B):c.13295C>A (p.Ala4432Glu)

Gene: MUC5B (mucin 5B, oligomeric mucus/gel-forming; plus strand). Cytogenetic location: 11p15.5.
Variant type: single nucleotide variant.
Coding change: c.13295C>A on transcript NM_002458.3 (MANE Select); coding-DNA position 13295, C replaced by A.
Protein change: p.Ala4432Glu; replaces alanine 4432 with glutamic acid.
Molecular consequence: missense variant.
Genome position (GRCh38, 1-based): chr11:1,250,175, C>A. VCF-style: chr11-1250175-C-A. GRCh37 (hg19) VCF-style: chr11-1271405-C-A.
Other names: short protein forms A4432E.
Identifiers: ClinVar variation 2215142 (VCV002215142.7), dbSNP rs369004960, ClinGen allele CA5808277.
Genomic context (GRCh38, chr11:1,250,175, plus strand): 5'-CCTCCACCCCAGGGACCACCTGGATCCTCACAGAGCTGACCACAACAGCCACTACGACTG[C>A]GTCCACTGGATCCACGGCCACCCCGTCCTCCACCCCAGGGACCACCTGGATCCTCACAGA-3'
Protein context (NP_002449.2, residues 4422-4442): TELTTTATTT[Ala4432Glu]STGSTATPSS